The following is an entry in ClinVar:

ClinVar aggregate classification (germline): Benign. Review status: criteria provided, multiple submitters, no conflicts (2 of 4 stars). 7 submissions from 7 submitters: Benign (7). Last evaluated 2026-02-04.

Conditions:
Methylmalonic acidemia with homocystinuria, type cblJ (MAHCJ). Also called: METHYLMALONIC ACIDURIA AND HOMOCYSTINURIA, cblJ TYPE. Identifiers: Orphanet 369955, MedGen C3553915, MONDO:0013925, OMIM 614857.

Allele frequency attached by ClinVar (database versions not stated): 1000 Genomes Project 30x 0.26624; 1000 Genomes Project 0.27037; TOPMed 0.30004; gnomAD 0.30526 and 0.30685; ESP Exome Variant Server 0.30747; gnomAD exomes 0.32711 and 0.35250; ExAC 0.32852.
gnomAD v4.1: 562,530 of 1,613,482 alleles (35%); highest among the groups gnomAD compares: Middle Eastern, 53%; 101,222 homozygotes.

Submissions (7):

Labcorp Genetics (formerly Invitae), Labcorp
Classification: Benign for Methylmalonic acidemia with homocystinuria, type cblJ. Last evaluated: 2026-02-04. Review status: criteria provided, single submitter. Criteria: Invitae Variant Classification Sherloc (09022015). Collection method: clinical testing. Allele origin: germline.

Blueprint Genetics
Classification: Benign. Last evaluated: 2024-11-27. Review status: criteria provided, single submitter. Criteria: ACMG Guidelines, 2015. Collection method: clinical testing. Allele origin: germline.

Mayo Clinic Laboratories, Mayo Clinic
Classification: Benign. Last evaluated: 2022-03-31. Review status: criteria provided, single submitter. Criteria: ACMG Guidelines, 2015. Collection method: clinical testing. Allele origin: germline. Observed: 64 variant alleles.

Genome-Nilou Lab
Classification: Benign for Methylmalonic acidemia with homocystinuria, type cblJ. Last evaluated: 2021-07-14. Review status: criteria provided, single submitter. Criteria: ACMG Guidelines, 2015. Collection method: clinical testing. Allele origin: germline. Affected: no.

GeneDx
Classification: Benign. Last evaluated: 2015-12-02. Review status: criteria provided, single submitter. Criteria: GeneDx Variant Classification (06012015). Collection method: clinical testing. Allele origin: germline. Affected: yes.
Comment: This variant is considered likely benign or benign based on one or more of the following criteria: it is a conservative change, it occurs at a poorly conserved position in the protein, it is predicted to be benign by multiple in silico algorithms, and/or has population frequency not consistent with disease.

Breakthrough Genomics
Classification: Benign. Review status: criteria provided, single submitter. Criteria: ACMG Guidelines, 2015. Collection method: not provided. Allele origin: germline. Inheritance: Autosomal recessive inheritance. Affected: yes.

PreventionGenetics, part of Exact Sciences
Classification: Benign. Review status: criteria provided, single submitter. Criteria: ACMG Guidelines, 2015. Collection method: clinical testing. Allele origin: germline.

NM_005050.4(ABCD4):c.910G>A (p.Ala304Thr)

Gene: ABCD4 (ATP binding cassette subfamily D member 4; minus strand). Cytogenetic location: 14q24.3.
Variant type: single nucleotide variant.
Coding change: c.910G>A on transcript NM_005050.4 (MANE Select); coding-DNA position 910, G replaced by A.
Protein change: p.Ala304Thr; replaces alanine 304 with threonine.
Molecular consequence: missense variant. On other transcripts: non-coding transcript variant (10).
Genome position (GRCh38, 1-based): chr14:74,292,774, C>T on the plus strand (G>A on the coding strand, the complement: ABCD4 is on the minus strand). VCF-style: chr14-74292774-C-T. GRCh37 (hg19) VCF-style: chr14-74759477-C-T.
Other names: c.784G>A, p.Ala262Thr (NM_001353591.2, NM_001353592.2); c.649G>A, p.Ala217Thr (NM_001353593.2); c.598G>A, p.Ala200Thr (NM_001353594.2); c.496G>A, p.Ala166Thr (NM_001353595.2, NM_001353596.2); c.445G>A, p.Ala149Thr (NM_001353597.2); c.433G>A, p.Ala145Thr (NM_001353598.2, NM_001353599.2, NM_001353600.2 and 2 more transcripts); c.121G>A, p.Ala41Thr (NM_001353602.2, NM_001353603.2, NM_001353604.2 and 6 more transcripts); c.910G>A, p.Ala304Thr (NM_020325.3); short protein forms A304T, A145T, A149T, A166T, A41T, A262T, A200T, A217T.
Identifiers: ClinVar variation 259621 (VCV000259621.16), dbSNP rs4148077, ClinGen allele CA7267020.
Genomic context (GRCh38, chr14:74,292,774, plus strand): 5'-GACAGCATGTGGGGTGACCAAGAGGGAGTCTCACCTTGCTGACCAGGGTGCTAAGCTCTG[C>T]GGGACTCAGGTCTCCATAGACCCCGCTGAAAATGGGGATTGCGATGACAACGTAACTCAG-3'
Protein context (NP_005041.1, residues 294-314): FSGVYGDLSP[Ala304Thr]ELSTLVSKNA